The following is an entry in ClinVar:

NM_015466.4(PTPN23):c.1202T>C (p.Met401Thr)

Gene: PTPN23 (protein tyrosine phosphatase non-receptor type 23; plus strand). Cytogenetic location: 3p21.31.
Variant type: single nucleotide variant.
Coding change: c.1202T>C on transcript NM_015466.4 (MANE Select); coding-DNA position 1202, T replaced by C.
Protein change: p.Met401Thr; replaces methionine 401 with threonine.
Molecular consequence: missense variant.
Genome position (GRCh38, 1-based): chr3:47,408,362, T>C. VCF-style: chr3-47408362-T-C. GRCh37 (hg19) VCF-style: chr3-47449852-T-C.
Other names: c.824T>C, p.Met275Thr (NM_001304482.2); short protein forms M275T, M401T.
Identifiers: ClinVar variation 2087692 (VCV002087692.4), dbSNP rs377741586, ClinGen allele CA73875921.

ClinVar aggregate classification (germline): Uncertain significance (1 of 4 stars; one submission).

Allele frequency attached by ClinVar (database versions not stated): gnomAD exomes below 0.00001; gnomAD 0.00002; TOPMed 0.00003; ESP Exome Variant Server 0.00008.
gnomAD v4.1: 5 of 1,613,898 alleles (0.00031%); highest among the groups gnomAD compares: African/African-American, 0.0053%; no homozygotes.

Submission:

Labcorp Genetics (formerly Invitae), Labcorp
Classification: Uncertain significance. Last evaluated: 2022-01-18. Review status: criteria provided, single submitter. Criteria: Invitae Variant Classification Sherloc (09022015). Collection method: clinical testing. Allele origin: germline.
Comment: In summary, the available evidence is currently insufficient to determine the role of this variant in disease. Therefore, it has been classified as a Variant of Uncertain Significance. Algorithms developed to predict the effect of missense changes on protein structure and function are either unavailable or do not agree on the potential impact of this missense change (SIFT: "Deleterious"; PolyPhen-2: "Not Available"; Align-GVGD: "Class C0"). This variant has not been reported in the literature in individuals affected with PTPN23-related conditions. This variant is present in population databases (rs377741586, gnomAD 0.01%). This sequence change replaces methionine, which is neutral and non-polar, with threonine, which is neutral and polar, at codon 401 of the PTPN23 protein (p.Met401Thr).